The following is an entry in ClinVar:

NM_001174147.2(LMX1B):c.875G>A (p.Arg292Gln)

Gene: LMX1B (LIM homeobox transcription factor 1 beta; plus strand). Cytogenetic location: 9q33.3.
Variant type: single nucleotide variant.
Coding change: c.875G>A on transcript NM_001174147.2 (MANE Select); coding-DNA position 875, G replaced by A.
Protein change: p.Arg292Gln; replaces arginine 292 with glutamine.
Molecular consequence: missense variant.
Genome position (GRCh38, 1-based): chr9:126,693,801, G>A. VCF-style: chr9-126693801-G-A. GRCh37 (hg19) VCF-style: chr9-129456080-G-A.
Other names: c.875G>A, p.Arg292Gln (NM_001174146.2, NM_002316.4); c.875G>A (NM_002316.3); short protein forms R292Q.
Identifiers: ClinVar variation 1004658 (VCV001004658.9), dbSNP rs775625232, ClinGen allele CA199814056.

ClinVar aggregate classification (germline): Uncertain significance. Review status: criteria provided, multiple submitters, no conflicts (2 of 4 stars). 2 submissions from 2 submitters: Uncertain significance (2). Last evaluated 2023-12-30.

Conditions:
Inborn genetic diseases. Identifiers: MedGen C0950123, MeSH D030342.

Allele frequency attached by ClinVar (database versions not stated): TOPMed 0.00006.
gnomAD v4.1: 62 of 1,374,472 alleles (0.0045%); highest among the groups gnomAD compares: African/African-American, 0.013%; no homozygotes.

Submissions (2):

Ambry Genetics
Classification: Uncertain significance for Inborn genetic diseases. Last evaluated: 2023-12-30. Review status: criteria provided, single submitter. Criteria: Ambry Variant Classification Scheme 2023. Collection method: clinical testing. Allele origin: germline.

Labcorp Genetics (formerly Invitae), Labcorp
Classification: Uncertain significance. Last evaluated: 2023-11-17. Review status: criteria provided, single submitter. Criteria: Invitae Variant Classification Sherloc (09022015). Collection method: clinical testing. Allele origin: germline.
Comment: This sequence change replaces arginine, which is basic and polar, with glutamine, which is neutral and polar, at codon 292 of the LMX1B protein (p.Arg292Gln). This variant is present in population databases (no rsID available, gnomAD 0.03%). This variant has not been reported in the literature in individuals affected with LMX1B-related conditions. ClinVar contains an entry for this variant (Variation ID: 1004658). Advanced modeling of protein sequence and biophysical properties (such as structural, functional, and spatial information, amino acid conservation, physicochemical variation, residue mobility, and thermodynamic stability) performed at Invitae indicates that this missense variant is not expected to disrupt LMX1B protein function with a negative predictive value of 80%. In summary, the available evidence is currently insufficient to determine the role of this variant in disease. Therefore, it has been classified as a Variant of Uncertain Significance.